The following is an entry in ClinVar:

NM_020461.4(TUBGCP6):c.1939A>C (p.Met647Leu)

Gene: TUBGCP6 (tubulin gamma complex component 6; minus strand). Cytogenetic location: 22q13.33.
Variant type: single nucleotide variant.
Coding change: c.1939A>C on transcript NM_020461.4 (MANE Select); coding-DNA position 1939, A replaced by C.
Protein change: p.Met647Leu; replaces methionine 647 with leucine.
Molecular consequence: missense variant.
Genome position (GRCh38, 1-based): chr22:50,225,838, T>G on the plus strand (A>C on the coding strand, the complement: TUBGCP6 is on the minus strand). VCF-style: chr22-50225838-T-G. GRCh37 (hg19) VCF-style: chr22-50664267-T-G.
Other names: short protein forms M647L.
Identifiers: ClinVar variation 1356387 (VCV001356387.6), dbSNP rs750728907, ClinGen allele CA10308443.

ClinVar aggregate classification (germline): Uncertain significance (1 of 4 stars; one submission).

gnomAD v4.1: 3 of 1,613,572 alleles (0.00019%); highest among the groups gnomAD compares: Admixed American, 0.005%; no homozygotes.

Submission:

Labcorp Genetics (formerly Invitae), Labcorp
Classification: Uncertain significance. Last evaluated: 2021-08-12. Review status: criteria provided, single submitter. Criteria: Invitae Variant Classification Sherloc (09022015). Collection method: clinical testing. Allele origin: germline.
Comment: In summary, the available evidence is currently insufficient to determine the role of this variant in disease. Therefore, it has been classified as a Variant of Uncertain Significance. Algorithms developed to predict the effect of missense changes on protein structure and function are either unavailable or do not agree on the potential impact of this missense change (SIFT: "Tolerated"; PolyPhen-2: "Possibly Damaging"; Align-GVGD: "Class C0"). This variant has not been reported in the literature in individuals affected with TUBGCP6-related conditions. This variant is present in population databases (rs750728907, ExAC 0.009%). This sequence change replaces methionine with leucine at codon 647 of the TUBGCP6 protein (p.Met647Leu). The methionine residue is moderately conserved and there is a small physicochemical difference between methionine and leucine.